The following is an entry in ClinVar:

NM_000245.4(MET):c.955G>T (p.Ala319Ser)

Gene: MET (MET proto-oncogene, receptor tyrosine kinase; plus strand). Cytogenetic location: 7q31.2.
Variant type: single nucleotide variant.
Coding change: c.955G>T on transcript NM_000245.4 (MANE Select); coding-DNA position 955, G replaced by T.
Protein change: p.Ala319Ser; replaces alanine 319 with serine.
Molecular consequence: missense variant. On other transcripts: intron variant (1).
Genome position (GRCh38, 1-based): chr7:116,700,039, G>T. VCF-style: chr7-116700039-G-T. GRCh37 (hg19) VCF-style: chr7-116340093-G-T.
Other names: c.955G>T, p.Ala319Ser (NM_001127500.3, NM_001324401.3); c.-91+27462G>T (NM_001324402.2); short protein forms A319S.
Identifiers: ClinVar variation 480851 (VCV000480851.24), dbSNP rs545332056, ClinGen allele CA4448049.
Genomic context (GRCh38, chr7:116,700,039, plus strand): 5'-ATTCTCACAGAAAAGAGAAAAAAGAGATCCACAAAGAAGGAAGTGTTTAATATACTTCAG[G>T]CTGCGTATGTCAGCAAGCCTGGGGCCCAGCTTGCTAGACAAATAGGAGCCAGCCTGAATG-3'
Protein context (NP_000236.2, residues 309-329): TKKEVFNILQ[Ala319Ser]AYVSKPGAQL

ClinVar aggregate classification (germline): Uncertain significance. Review status: criteria provided, multiple submitters, no conflicts (2 of 4 stars). 3 submissions from 3 submitters: Uncertain significance (3). Last evaluated 2026-04-20.

Conditions:
Hereditary cancer-predisposing syndrome. Also called: Tumor predisposition; Hereditary neoplastic syndrome; Neoplastic Syndromes, Hereditary; Hereditary Cancer Syndrome. Identifiers: Orphanet 140162, MedGen C0027672, MeSH D009386, MONDO:0015356.
Renal cell carcinoma. Identifiers: Orphanet 217071, MedGen C0007134, MeSH D002292, MONDO:0005086, HP:0005584.

Allele frequency attached by ClinVar (database versions not stated): gnomAD below 0.00001; gnomAD exomes 0.00001.
gnomAD v4.1: 17 of 1,613,862 alleles (0.0011%); highest among the groups gnomAD compares: South Asian, 0.016%; no homozygotes.

Submissions (3):

Ambry Genetics
Classification: Uncertain significance for Hereditary cancer-predisposing syndrome. Last evaluated: 2026-04-20. Review status: criteria provided, single submitter. Criteria: Ambry Variant Classification Scheme 2023. Collection method: clinical testing. Allele origin: germline.
Comment: The p.A319S variant (also known as c.955G>T), located in coding exon 1 of the MET gene, results from a G to T substitution at nucleotide position 955. The alanine at codon 319 is replaced by serine, an amino acid with similar properties. This amino acid position is highly conserved in available vertebrate species. In addition, the in silico prediction for this alteration is inconclusive. Since supporting evidence is limited at this time, the clinical significance of this alteration remains unclear.

Labcorp Genetics (formerly Invitae), Labcorp
Classification: Uncertain significance for Renal cell carcinoma. Last evaluated: 2025-10-01. Review status: criteria provided, single submitter. Criteria: Invitae Variant Classification Sherloc (09022015). Collection method: clinical testing. Allele origin: germline.
Comment: This sequence change replaces alanine, which is neutral and non-polar, with serine, which is neutral and polar, at codon 319 of the MET protein (p.Ala319Ser). This variant is present in population databases (rs545332056, gnomAD 0.007%). This variant has not been reported in the literature in individuals affected with MET-related conditions. ClinVar contains an entry for this variant (Variation ID: 480851). Invitae Evidence Modeling of protein sequence and biophysical properties (such as structural, functional, and spatial information, amino acid conservation, physicochemical variation, residue mobility, and thermodynamic stability) indicates that this missense variant is expected to disrupt MET protein function with a positive predictive value of 80%. In summary, the available evidence is currently insufficient to determine the role of this variant in disease. Therefore, it has been classified as a Variant of Uncertain Significance.

Center for Genomic Medicine, Rigshospitalet, Copenhagen University Hospital
Classification: Uncertain significance. Last evaluated: 2025-03-04. Review status: criteria provided, single submitter. Criteria: ACMG Guidelines, 2015. Collection method: clinical testing. Allele origin: germline.